The following is an entry in ClinVar:

NM_001278431.2(C1QTNF5):c.278G>C (p.Gly93Ala)

Genes: C1QTNF5 (C1q and TNF related 5; minus strand), MFRP (membrane frizzled-related protein; minus strand). Cytogenetic location: 11q23.3.
Variant type: single nucleotide variant.
Coding change: c.278G>C on transcript NM_001278431.2 (MANE Select); coding-DNA position 278, G replaced by C.
Protein change: p.Gly93Ala; replaces glycine 93 with alanine.
Molecular consequence: missense variant. On other transcripts: 3 prime UTR variant (1).
Genome position (GRCh38, 1-based): chr11:119,339,785, C>G on the plus strand (G>C on the coding strand, the complement: C1QTNF5 is on the minus strand). VCF-style: chr11-119339785-C-G. GRCh37 (hg19) VCF-style: chr11-119210495-C-G.
Other names: c.278G>C, p.Gly93Ala (NM_015645.5); c.*1174G>C (NM_031433.4); c.278G>C (NM_001278431.1); short protein forms G93A.
Identifiers: ClinVar variation 1395023 (VCV001395023.8), dbSNP rs1464986899, ClinGen allele CA382969995.

ClinVar aggregate classification (germline): Uncertain significance. Review status: criteria provided, multiple submitters, no conflicts (2 of 4 stars). 3 submissions from 3 submitters: Uncertain significance (3). Last evaluated 2026-03-03.

Conditions:
C1QTNF5-related disorder. Also called: C1QTNF5-related condition.

Allele frequency attached by ClinVar (database versions not stated): TOPMed below 0.00001; gnomAD 0.00001.

Submissions (3):

PreventionGenetics, part of Exact Sciences
Classification: Uncertain significance for C1QTNF5-related condition. Last evaluated: 2026-03-03. Review status: criteria provided, single submitter. Criteria: ACMG Guidelines, 2015. Collection method: clinical testing. Allele origin: germline.
Comment: The C1QTNF5 c.278G>C variant is predicted to result in the amino acid substitution p.Gly93Ala. To our knowledge, this variant has not been reported in the literature or in a large population database (gnomAD), indicating this variant is rare. At this time, the clinical significance of this variant is uncertain due to the absence of conclusive functional and genetic evidence.

Labcorp Genetics (formerly Invitae), Labcorp
Classification: Uncertain significance. Last evaluated: 2021-11-25. Review status: criteria provided, single submitter. Criteria: Invitae Variant Classification Sherloc (09022015). Collection method: clinical testing. Allele origin: germline.
Comment: Algorithms developed to predict the effect of missense changes on protein structure and function (SIFT, PolyPhen-2, Align-GVGD) all suggest that this variant is likely to be disruptive. In summary, the available evidence is currently insufficient to determine the role of this variant in disease. Therefore, it has been classified as a Variant of Uncertain Significance. This sequence change replaces glycine, which is neutral and non-polar, with alanine, which is neutral and non-polar, at codon 93 of the C1QTNF5 protein (p.Gly93Ala). This variant has not been reported in the literature in individuals affected with C1QTNF5-related conditions. This variant is not present in population databases (gnomAD no frequency).

Blueprint Genetics
Classification: Uncertain significance. Last evaluated: 2020-12-28. Review status: criteria provided, single submitter. Criteria: ACMG Guidelines, 2015. Collection method: clinical testing. Allele origin: germline.